The following is an entry in ClinVar:

ClinVar aggregate classification (germline): Uncertain significance (1 of 4 stars; one submission).

gnomAD v4.1: 2 of 1,614,146 alleles (0.00012%); highest among the groups gnomAD compares: Admixed American, 0.0033%; no homozygotes.

Submission:

GeneDx
Classification: Uncertain significance. Last evaluated: 2024-03-11. Review status: criteria provided, single submitter. Criteria: GeneDx Variant Classification Process June 2021. Collection method: clinical testing. Allele origin: germline. Affected: yes.
Comment: In silico analysis supports that this missense variant has a deleterious effect on protein structure/function; Has not been previously published as pathogenic or benign to our knowledge; This variant is associated with the following publications: (PMID: 12037717)

NM_003722.5(TP63):c.1282C>T (p.Pro428Ser)

Gene: TP63 (tumor protein p63; plus strand). Cytogenetic location: 3q28.
Variant type: single nucleotide variant.
Coding change: c.1282C>T on transcript NM_003722.5 (MANE Select); coding-DNA position 1282, C replaced by T.
Protein change: p.Pro428Ser; replaces proline 428 with serine.
Molecular consequence: missense variant.
Genome position (GRCh38, 1-based): chr3:189,872,928, C>T. VCF-style: chr3-189872928-C-T. GRCh37 (hg19) VCF-style: chr3-189590717-C-T.
Other names: c.1282C>T, p.Pro428Ser (NM_001114978.2, NM_001114979.2, NM_001329144.2); c.1000C>T, p.Pro334Ser (NM_001114980.2, NM_001114981.2, NM_001114982.2 and 1 more transcripts); c.745C>T, p.Pro249Ser (NM_001329146.2); c.1270C>T, p.Pro424Ser (NM_001329148.2); c.988C>T, p.Pro330Ser (NM_001329149.2); c.733C>T, p.Pro245Ser (NM_001329150.2); c.1276C>T, p.Pro426Ser (NM_001329964.2); short protein forms P245S, P249S, P330S, P334S, P424S, P426S, P428S.
Identifiers: ClinVar variation 3370738 (VCV003370738.1).